The following is an entry in ClinVar:

ClinVar aggregate classification (germline): Uncertain significance (1 of 4 stars; one submission).

Allele frequency attached by ClinVar (database versions not stated): gnomAD 0.00001.
gnomAD v4.1: 1 of 1,606,012 alleles (0.000062%); highest among the groups gnomAD compares: Non-Finnish European, 0.000085%; no homozygotes.

Submission:

GeneDx
Classification: Uncertain significance. Last evaluated: 2020-09-29. Review status: criteria provided, single submitter. Criteria: GeneDx Variant Classification Process June 2021. Collection method: clinical testing. Allele origin: germline. Affected: yes.
Comment: Not observed in large population cohorts (Lek et al., 2016); In silico analysis, which includes protein predictors and evolutionary conservation, supports a deleterious effect; Has not been previously published as pathogenic or benign to our knowledge

NM_025074.7(FRAS1):c.3053G>A (p.Cys1018Tyr)

Gene: FRAS1 (Fraser extracellular matrix complex subunit 1; plus strand). Cytogenetic location: 4q21.21.
Variant type: single nucleotide variant.
Coding change: c.3053G>A on transcript NM_025074.7 (MANE Select); coding-DNA position 3053, G replaced by A.
Protein change: p.Cys1018Tyr; replaces cysteine 1018 with tyrosine.
Molecular consequence: missense variant.
Genome position (GRCh38, 1-based): chr4:78,374,153, G>A. VCF-style: chr4-78374153-G-A. GRCh37 (hg19) VCF-style: chr4-79295307-G-A.
Other names: c.3053G>A, p.Cys1018Tyr (NM_001166133.2); short protein forms C1018Y.
Identifiers: ClinVar variation 1307020 (VCV001307020.2), dbSNP rs1731658459, ClinGen allele CA357374345.